The following is an entry in ClinVar:

NM_003579.4(RAD54L):c.562G>A (p.Gly188Arg)

Gene: RAD54L (RAD54 like; plus strand). Cytogenetic location: 1p34.1.
Variant type: single nucleotide variant.
Coding change: c.562G>A on transcript NM_003579.4 (MANE Select); coding-DNA position 562, G replaced by A.
Protein change: p.Gly188Arg; replaces glycine 188 with arginine.
Molecular consequence: missense variant.
Genome position (GRCh38, 1-based): chr1:46,260,811, G>A. VCF-style: chr1-46260811-G-A. GRCh37 (hg19) VCF-style: chr1-46726483-G-A.
Other names: c.562G>A, p.Gly188Arg (NM_001142548.2); c.22G>A, p.Gly8Arg (NM_001370766.1); short protein forms G188R, G8R.
Identifiers: ClinVar variation 1748744 (VCV001748744.2), dbSNP rs767399408, ClinGen allele CA834296.

ClinVar aggregate classification (germline): Uncertain significance (1 of 4 stars; one submission).

Allele frequency attached by ClinVar (database versions not stated): TOPMed below 0.00001; ExAC 0.00001; gnomAD exomes 0.00001.
gnomAD v4.1: 11 of 1,614,256 alleles (0.00068%); highest among the groups gnomAD compares: East Asian, 0.0022%; no homozygotes.

Submission:

Ambry Genetics
Classification: Uncertain significance. Last evaluated: 2023-10-24. Review status: criteria provided, single submitter. Criteria: Ambry Variant Classification Scheme 2023. Collection method: clinical testing. Allele origin: germline.
Comment: The p.G188R variant (also known as c.562G>A), located in coding exon 7 of the RAD54L gene, results from a G to A substitution at nucleotide position 562. The glycine at codon 188 is replaced by arginine, an amino acid with dissimilar properties. This amino acid position is conserved. In addition, this alteration is predicted to be deleterious by in silico analysis. Since supporting evidence is limited at this time, the clinical significance of this alteration remains unclear.